The following is an entry in ClinVar:

ClinVar aggregate classification (germline): Likely benign (0 of 4 stars; one submission).

Conditions:
UNC13A-related disorder. Also called: UNC13A-related condition.

gnomAD v4.1: 27 of 1,608,802 alleles (0.0017%); highest among the groups gnomAD compares: East Asian, 0.022%; no homozygotes.

Submission:

PreventionGenetics, part of Exact Sciences
Classification: Likely benign for UNC13A-related condition. Last evaluated: 2024-03-13. Review status: no assertion criteria provided. Collection method: clinical testing. Allele origin: germline.
Comment: This variant is classified as likely benign based on ACMG/AMP sequence variant interpretation guidelines (Richards et al. 2015 PMID: 25741868, with internal and published modifications).

NM_001080421.3(UNC13A):c.2385G>A (p.Ser795=)

Gene: UNC13A (unc-13 homolog A; minus strand). Cytogenetic location: 19p13.11.
Variant type: single nucleotide variant.
Coding change: c.2385G>A on transcript NM_001080421.3 (MANE Select); coding-DNA position 2385, G replaced by A.
Protein change: p.Ser795=; no amino-acid change (serine 795 retained).
Molecular consequence: synonymous variant.
Genome position (GRCh38, 1-based): chr19:17,642,932, C>T on the plus strand (G>A on the coding strand, the complement: UNC13A is on the minus strand). VCF-style: chr19-17642932-C-T. GRCh37 (hg19) VCF-style: chr19-17753741-C-T.
Other names: c.2379G>A, p.Ser793= (NM_001387021.1, NM_001387022.1, NM_001387023.1).
Identifiers: ClinVar variation 3358441 (VCV003358441.1).